The following is an entry in ClinVar:

ClinVar aggregate classification (germline): Uncertain significance (1 of 4 stars; one submission).

Conditions:
Muscular dystrophy-dystroglycanopathy (congenital with brain and eye anomalies), type a, 11 (MDDGA11). Also called: WALKER-WARBURG SYNDROME OR MUSCLE-EYE-BRAIN DISEASE, B3GALNT2-RELATED; Congenital muscular dystrophy-dystroglycanopathy with brain and eye anomalies, type A11; Muscular dystrophy-dystroglycanopathy (congenital with brain and eye anomalies, type A, 11. Identifiers: Orphanet 588, Orphanet 899, MedGen C3554638, MONDO:0014071, OMIM 615181.

Allele frequency attached by ClinVar (database versions not stated): gnomAD exomes below 0.00001.
gnomAD v4.1: 1 of 1,613,954 alleles (0.000062%); highest among the groups gnomAD compares: East Asian, 0.0022%; no homozygotes.

Submission:

Labcorp Genetics (formerly Invitae), Labcorp
Classification: Uncertain significance for Muscular dystrophy-dystroglycanopathy (congenital with brain and eye anomalies), type a, 11. Last evaluated: 2022-08-09. Review status: criteria provided, single submitter. Criteria: Invitae Variant Classification Sherloc (09022015). Collection method: clinical testing. Allele origin: germline.
Comment: In summary, the available evidence is currently insufficient to determine the role of this variant in disease. Therefore, it has been classified as a Variant of Uncertain Significance. Algorithms developed to predict the effect of missense changes on protein structure and function (SIFT, PolyPhen-2, Align-GVGD) all suggest that this variant is likely to be tolerated. ClinVar contains an entry for this variant (Variation ID: 1040046). This variant has not been reported in the literature in individuals affected with B3GALNT2-related conditions. This variant is not present in population databases (gnomAD no frequency). This sequence change replaces isoleucine, which is neutral and non-polar, with leucine, which is neutral and non-polar, at codon 279 of the B3GALNT2 protein (p.Ile279Leu).

NM_152490.5(B3GALNT2):c.835A>C (p.Ile279Leu)

Gene: B3GALNT2 (beta-1,3-N-acetylgalactosaminyltransferase 2; minus strand). Cytogenetic location: 1q42.3.
Variant type: single nucleotide variant.
Coding change: c.835A>C on transcript NM_152490.5 (MANE Select); coding-DNA position 835, A replaced by C.
Protein change: p.Ile279Leu; replaces isoleucine 279 with leucine.
Molecular consequence: missense variant.
Genome position (GRCh38, 1-based): chr1:235,465,642, T>G on the plus strand (A>C on the coding strand, the complement: B3GALNT2 is on the minus strand). VCF-style: chr1-235465642-T-G. GRCh37 (hg19) VCF-style: chr1-235628959-T-G.
Other names: c.958A>C, p.Ile320Leu (NM_001277155.3); short protein forms I279L, I320L.
Identifiers: ClinVar variation 1040046 (VCV001040046.5), dbSNP rs1683655820, ClinGen allele CA344960908.